The following is an entry in ClinVar:

NM_018406.7(MUC4):c.6869C>A (p.Pro2290His)

Gene: MUC4 (mucin 4, cell surface associated). Cytogenetic location: 3q29.
Variant type: single nucleotide variant.
Coding change: c.6869C>A on transcript NM_018406.7 (MANE Select); coding-DNA position 6869, C replaced by A.
Protein change: p.Pro2290His; replaces proline 2290 with histidine.
Molecular consequence: missense variant. On other transcripts: genic upstream transcript variant (2).
Genome position (GRCh38, 1-based): chr3:195,784,711, G>T on the plus strand (C>A on the coding strand, the complement: MUC4 is on the minus strand). VCF-style: chr3-195784711-G-T. GRCh37 (hg19) VCF-style: chr3-195511582-G-T.
Other names: c.10052C>A, p.Pro3351His (NM_001322468.1); c.83-10406C>A (NM_138297.5); c.83-6256C>A (NM_004532.6); short protein forms P2290H, P3351H.
Identifiers: ClinVar variation 2672978 (VCV002672978.23), dbSNP rs757062410, ClinGen allele CA2772746.

ClinVar aggregate classification (germline): Likely benign (1 of 4 stars; one submission).

Allele frequency attached by ClinVar (database versions not stated): gnomAD 0.00036; ExAC 0.00065.

Submission:

CeGaT Center for Human Genetics Tuebingen
Classification: Likely benign. Last evaluated: 2023-11-01. Review status: criteria provided, single submitter. Criteria: CeGaT Center For Human Genetics Tuebingen Variant Classification Criteria Version 2. Collection method: clinical testing. Allele origin: germline. Affected: yes. Observed: 1 variant allele.
Comment: MUC4: BP4, BS2